The following is an entry in ClinVar:

ClinVar aggregate classification (germline): Pathogenic (1 of 4 stars; one submission).

Conditions:
Polycystic kidney disease 2 (PKD2). Also called: Polycystic Kidney Disease 2, Autosomal Dominant; POLYCYSTIC KIDNEY DISEASE 2 WITH OR WITHOUT POLYCYSTIC LIVER DISEASE; POLYCYSTIC KIDNEY DISEASE, ADULT, TYPE II. Identifiers: MedGen C2751306, MONDO:0013131, OMIM 613095.

Submission:

MVZ Medizinische Genetik Mainz
Classification: Pathogenic for Polycystic kidney disease 2. Last evaluated: 2022-09-15. Review status: criteria provided, single submitter. Criteria: UK Practice Guidelines For Variant Classification V4 01 2020. Collection method: clinical testing. Allele origin: germline. Inheritance: Autosomal dominant inheritance. Affected: yes. Observed: 1 variant allele.
Comment: ACMG Criteria: PVS1, PM2_SUP, PP4 (ACMG Version 4)

NM_000297.4(PKD2):c.325G>T (p.Gly109Ter)

Genes: PKD2 (polycystin 2, transient receptor potential cation channel; plus strand), LOC129992813 (ATAC-STARR-seq lymphoblastoid silent region 15559; plus strand). Cytogenetic location: 4q22.1.
Variant type: single nucleotide variant.
Coding change: c.325G>T on transcript NM_000297.4 (MANE Select); coding-DNA position 325, G replaced by T.
Protein change: p.Gly109Ter; replaces glycine 109 with a stop codon.
Molecular consequence: nonsense. On other transcripts: non-coding transcript variant (1).
Genome position (GRCh38, 1-based): chr4:88,008,058, G>T. VCF-style: chr4-88008058-G-T. GRCh37 (hg19) VCF-style: chr4-88929210-G-T.
Other names: short protein forms G109*.
Identifiers: ClinVar variation 3235148 (VCV003235148.1), dbSNP rs2476357829.